The following is an entry in ClinVar:

ClinVar aggregate classification (germline): Likely pathogenic (1 of 4 stars; one submission).

Conditions:
Autosomal recessive limb-girdle muscular dystrophy type R18 (LGMDR18). Also called: MUSCULAR DYSTROPHY, LIMB-GIRDLE, AUTOSOMAL RECESSIVE 18; Limb-girdle muscular dystrophy, type 2S; Autosomal recessive limb-girdle muscular dystrophy type 2S. Identifiers: Orphanet 369840, MedGen C4517996, MONDO:0014144, OMIM 615356.

Submission:

Juno Genomics, Hangzhou Juno Genomics, Inc
Classification: Likely pathogenic for Autosomal recessive limb-girdle muscular dystrophy type R18. Review status: criteria provided, single submitter. Criteria: ACMG Guidelines, 2015. Collection method: clinical testing. Allele origin: germline.
Comment: Absent from controls (or at extremely low frequency if recessive) in Genome Aggregation Database.;Null variant in a gene where loss of function (LOF) is a known mechanism of disease.

NM_021942.6(TRAPPC11):c.329G>A (p.Trp110Ter)

Gene: TRAPPC11 (trafficking protein particle complex subunit 11; plus strand). Cytogenetic location: 4q35.1.
Variant type: single nucleotide variant.
Coding change: c.329G>A on transcript NM_021942.6 (MANE Select); coding-DNA position 329, G replaced by A.
Protein change: p.Trp110Ter; replaces tryptophan 110 with a stop codon.
Molecular consequence: nonsense.
Genome position (GRCh38, 1-based): chr4:183,666,381, G>A. VCF-style: chr4-183666381-G-A. GRCh37 (hg19) VCF-style: chr4-184587534-G-A.
Other names: c.329G>A, p.Trp110Ter (NM_199053.3); short protein forms W110*.
Identifiers: ClinVar variation 5019545 (VCV005019545.2).